The following is an entry in ClinVar:

NM_006623.4(PHGDH):c.1558G>A (p.Ala520Thr)

Gene: PHGDH (phosphoglycerate dehydrogenase; plus strand). Cytogenetic location: 1p12.
Variant type: single nucleotide variant.
Coding change: c.1558G>A on transcript NM_006623.4 (MANE Select); coding-DNA position 1558, G replaced by A.
Protein change: p.Ala520Thr; replaces alanine 520 with threonine.
Molecular consequence: missense variant.
Genome position (GRCh38, 1-based): chr1:119,743,996, G>A. VCF-style: chr1-119743996-G-A. GRCh37 (hg19) VCF-style: chr1-120286619-G-A.
Other names: short protein forms A520T.
Identifiers: ClinVar variation 2002332 (VCV002002332.4), dbSNP rs1232080667, ClinGen allele CA341854697.

ClinVar aggregate classification (germline): Uncertain significance (1 of 4 stars; one submission).

Conditions:
PHGDH deficiency. Identifiers: Orphanet 79351, MedGen C1866174, MONDO:0011152, OMIM 601815.

Allele frequency attached by ClinVar (database versions not stated): TOPMed 0.00001.

Submission:

Labcorp Genetics (formerly Invitae), Labcorp
Classification: Uncertain significance for PHGDH deficiency. Last evaluated: 2022-06-03. Review status: criteria provided, single submitter. Criteria: Invitae Variant Classification Sherloc (09022015). Collection method: clinical testing. Allele origin: germline.
Comment: This variant has not been reported in the literature in individuals affected with PHGDH-related conditions. In summary, the available evidence is currently insufficient to determine the role of this variant in disease. Therefore, it has been classified as a Variant of Uncertain Significance. Algorithms developed to predict the effect of missense changes on protein structure and function output the following: SIFT: "Tolerated"; PolyPhen-2: "Benign"; Align-GVGD: "Class C0". The threonine amino acid residue is found in multiple mammalian species, which suggests that this missense change does not adversely affect protein function. This variant is not present in population databases (gnomAD no frequency). This sequence change replaces alanine, which is neutral and non-polar, with threonine, which is neutral and polar, at codon 520 of the PHGDH protein (p.Ala520Thr).